The following is an entry in ClinVar:

NM_020937.4(FANCM):c.1A>G (p.Met1Val)

Gene: FANCM (FA complementation group M; plus strand). Cytogenetic location: 14q21.2.
Variant type: single nucleotide variant.
Coding change: c.1A>G on transcript NM_020937.4 (MANE Select); coding-DNA position 1, A replaced by G.
Protein change: p.Met1Val; changes the start codon (methionine 1).
Molecular consequence: missense variant, initiator codon variant.
Genome position (GRCh38, 1-based): chr14:45,136,032, A>G. VCF-style: chr14-45136032-A-G. GRCh37 (hg19) VCF-style: chr14-45605235-A-G.
Other names: c.1A>G, p.Met1Val (NM_001308133.2, NM_001308134.2); short protein forms M1V.
Identifiers: ClinVar variation 1428360 (VCV001428360.8), dbSNP rs752141076, ClinGen allele CA7168679.

ClinVar aggregate classification (germline): Uncertain significance (1 of 4 stars; one submission).

Conditions:
Fanconi anemia (FA). Also called: Fanconi's anemia. Identifiers: Orphanet 84, MedGen C0015625, MeSH D005199, MONDO:0019391.

Allele frequency attached by ClinVar (database versions not stated): gnomAD exomes below 0.00001; ExAC 0.00001.

Submission:

Labcorp Genetics (formerly Invitae), Labcorp
Classification: Uncertain significance for Fanconi anemia. Last evaluated: 2021-02-11. Review status: criteria provided, single submitter. Criteria: Invitae Variant Classification Sherloc (09022015). Collection method: clinical testing. Allele origin: germline.
Comment: Algorithms developed to predict the effect of sequence changes on RNA splicing suggest that this variant may create or strengthen a splice site, but this prediction has not been confirmed by published transcriptional studies. In summary, the available evidence is currently insufficient to determine the role of this variant in disease. Therefore, it has been classified as a Variant of Uncertain Significance. This variant has not been reported in the literature in individuals with FANCM-related conditions. This variant is present in population databases (rs752141076, ExAC 0.002%). This sequence change affects the initiator methionine of the FANCM mRNA. The next in-frame methionine is located at codon 125.